The following is an entry in ClinVar:

ClinVar aggregate classification (germline): Uncertain significance (1 of 4 stars; one submission).

Conditions:
Combined immunodeficiency due to LRBA deficiency. Also called: Common variable immunodeficiency 8, with autoimmunity. Identifiers: Orphanet 445018, MedGen C3553512, MONDO:0013863, OMIM 614700.

Allele frequency attached by ClinVar (database versions not stated): ExAC 0.00002.

Submission:

Labcorp Genetics (formerly Invitae), Labcorp
Classification: Uncertain significance for Combined immunodeficiency due to LRBA deficiency. Last evaluated: 2022-05-15. Review status: criteria provided, single submitter. Criteria: Invitae Variant Classification Sherloc (09022015). Collection method: clinical testing. Allele origin: germline.
Comment: This sequence change replaces alanine, which is neutral and non-polar, with aspartic acid, which is acidic and polar, at codon 49 of the LRBA protein (p.Ala49Asp). This variant is present in population databases (rs766486585, gnomAD 0.002%). This variant has not been reported in the literature in individuals affected with LRBA-related conditions. Algorithms developed to predict the effect of missense changes on protein structure and function are either unavailable or do not agree on the potential impact of this missense change (SIFT: "Tolerated"; PolyPhen-2: "Probably Damaging"; Align-GVGD: "Class C0"). In summary, the available evidence is currently insufficient to determine the role of this variant in disease. Therefore, it has been classified as a Variant of Uncertain Significance.

NM_001364905.1(LRBA):c.146C>A (p.Ala49Asp)

Gene: LRBA (LPS responsive beige-like anchor protein; minus strand). Cytogenetic location: 4q31.3.
Variant type: single nucleotide variant.
Coding change: c.146C>A on transcript NM_001364905.1 (MANE Select); coding-DNA position 146, C replaced by A.
Protein change: p.Ala49Asp; replaces alanine 49 with aspartic acid.
Molecular consequence: missense variant.
Genome position (GRCh38, 1-based): chr4:151,014,497, G>T on the plus strand (C>A on the coding strand, the complement: LRBA is on the minus strand). VCF-style: chr4-151014497-G-T. GRCh37 (hg19) VCF-style: chr4-151935649-G-T.
Other names: c.146C>A, p.Ala49Asp (NM_001199282.3, NM_001367550.1, NM_006726.5); short protein forms A49D.
Identifiers: ClinVar variation 1985514 (VCV001985514.4), dbSNP rs766486585, ClinGen allele CA3103961.